The following is an entry in ClinVar:

ClinVar aggregate classification (germline): Uncertain significance (1 of 4 stars; one submission).

Conditions:
Cryopyrin associated periodic syndrome (CAPS). Identifiers: Orphanet 208650, MedGen C2316212, MONDO:0016168.

Submission:

Labcorp Genetics (formerly Invitae), Labcorp
Classification: Uncertain significance for Cryopyrin associated periodic syndrome. Last evaluated: 2024-05-12. Review status: criteria provided, single submitter. Criteria: Invitae Variant Classification Sherloc (09022015). Collection method: clinical testing. Allele origin: germline.
Comment: This sequence change falls in intron 5 of the NLRP3 gene. It does not directly change the encoded amino acid sequence of the NLRP3 protein. It affects a nucleotide within the consensus splice site. This variant is not present in population databases (gnomAD no frequency). This variant has not been reported in the literature in individuals affected with NLRP3-related conditions. Variants that disrupt the consensus splice site are a relatively common cause of aberrant splicing (PMID: 17576681, 9536098). Algorithms developed to predict the effect of sequence changes on RNA splicing suggest that this variant is not likely to affect RNA splicing. In summary, the available evidence is currently insufficient to determine the role of this variant in disease. Therefore, it has been classified as a Variant of Uncertain Significance.

Literature cited by the submitters: PubMed 17576681; PubMed 9536098.

NM_001243133.2(NLRP3):c.2493-3A>C

Gene: NLRP3 (NLR family pyrin domain containing 3; plus strand). Cytogenetic location: 1q44.
Variant type: single nucleotide variant.
Coding change: c.2493-3A>C on transcript NM_001243133.2 (MANE Select); 3 bases into the intron before coding-DNA position 2493, A replaced by C.
Molecular consequence: intron variant.
Genome position (GRCh38, 1-based): chr1:247,435,967, A>C. VCF-style: chr1-247435967-A-C. GRCh37 (hg19) VCF-style: chr1-247599269-A-C.
Other names: c.2499-3A>C (NM_004895.5); c.2492+1694A>C (NM_001127461.3); c.2322-3A>C (NM_001127462.3); c.2321+1694A>C (NM_183395.3); c.2493-3A>C (NM_001079821.3).
Identifiers: ClinVar variation 3653110 (VCV003653110.2).